The following is an entry in ClinVar:

ClinVar aggregate classification (germline): Uncertain significance (1 of 4 stars; one submission).

Submission:

GeneDx
Classification: Uncertain significance. Last evaluated: 2025-08-05. Review status: criteria provided, single submitter. Criteria: GeneDx Variant Classification Process June 2021. Collection method: clinical testing. Allele origin: germline. Affected: yes.
Comment: Not observed at significant frequency in large population cohorts (gnomAD); In silico analysis suggests that this missense variant does not alter protein structure/function; Has not been previously published as pathogenic or benign to our knowledge

NM_021096.4(CACNA1I):c.5725T>A (p.Leu1909Met)

Gene: CACNA1I (calcium voltage-gated channel subunit alpha1 I; plus strand). Cytogenetic location: 22q13.1.
Variant type: single nucleotide variant.
Coding change: c.5725T>A on transcript NM_021096.4 (MANE Select); coding-DNA position 5725, T replaced by A.
Protein change: p.Leu1909Met; replaces leucine 1909 with methionine.
Molecular consequence: missense variant.
Genome position (GRCh38, 1-based): chr22:39,682,556, T>A. VCF-style: chr22-39682556-T-A. GRCh37 (hg19) VCF-style: chr22-40078561-T-A.
Other names: c.5620T>A, p.Leu1874Met (NM_001003406.2); short protein forms L1874M, L1909M.
Identifiers: ClinVar variation 4756039 (VCV004756039.1).